The following is an entry in ClinVar:

ClinVar aggregate classification (germline): Pathogenic (1 of 4 stars; one submission).

Conditions:
Ehlers-Danlos syndrome, dermatosparaxis type. Also called: EDS VIIC; Dermatosparaxis; Ehlers-Danlos syndrome, type VII, autosomal recessive. Identifiers: Orphanet 1901, MedGen C2700425, MONDO:0009161, OMIM 225410.

Submission:

Myriad Genetics, Inc.
Classification: Pathogenic for Ehlers-Danlos syndrome, dermatosparaxis type. Last evaluated: 2024-05-14. Review status: criteria provided, single submitter. Criteria: Myriad Autosomal Dominant, Autosomal Recessive and X-Linked Classification Criteria (2023). Collection method: clinical testing. Allele origin: unknown.
Comment: NM_014244.4(ADAMTS2):c.83_84ins13(P29Yfs*41) is expected to be pathogenic in the context of Ehlers-Danlos syndrome, ADAMTS2-related. This variant is predicted to lead to an abnormal or absent protein product due to the creation of a premature termination codon in ADAMTS2, a gene where loss-of-function variants are known to be pathogenic. Please note: this variant was assessed in the context of healthy population screening.

NM_014244.5(ADAMTS2):c.83_84insATACACATCTGTG (p.Pro29fs)

Gene: ADAMTS2 (ADAM metallopeptidase with thrombospondin type 1 motif 2; minus strand). Cytogenetic location: 5q35.3.
Variant type: Insertion.
Coding change: c.83_84insATACACATCTGTG on transcript NM_014244.5 (MANE Select); coding-DNA positions 83 to 84, ATACACATCTGTG inserted.
Protein change: p.Pro29fs; shifts the reading frame from proline 29.
Molecular consequence: frameshift variant.
Genome position: GRCh38 VCF-style: chr5-179345245-C-CCACAGATGTGTAT. GRCh37 (hg19) VCF-style: chr5-178772246-C-CCACAGATGTGTAT.
Other names: c.83_84insATACACATCTGTG, p.Pro29fs (NM_021599.4); short protein forms P29fs.
Identifiers: ClinVar variation 5010654 (VCV005010654.1).